The following is an entry in ClinVar:

ClinVar aggregate classification (germline): Uncertain significance (1 of 4 stars; one submission).

Allele frequency attached by ClinVar (database versions not stated): gnomAD exomes below 0.00001; ExAC 0.00001.
gnomAD v4.1: 1 of 1,614,040 alleles (0.000062%); highest among the groups gnomAD compares: South Asian, 0.0011%; no homozygotes.

Submissions (2):

Labcorp Genetics (formerly Invitae), Labcorp
Classification: Uncertain significance. Last evaluated: 2021-08-13. Review status: criteria provided, single submitter. Criteria: Invitae Variant Classification Sherloc (09022015). Collection method: clinical testing. Allele origin: germline.
Comment: This sequence change replaces methionine with isoleucine at codon 454 of the FH protein (p.Met454Ile). The methionine residue is highly conserved and there is a small physicochemical difference between methionine and isoleucine. This variant is present in population databases (rs766177929, ExAC 0.006%). This missense change has been observed in individual(s) with clinical features of FH-related¬†conditions (PMID: 21520333). ClinVar contains an entry for this variant (Variation ID: 645464). Algorithms developed to predict the effect of missense changes on protein structure and function are either unavailable or do not agree on the potential impact of this missense change (SIFT: "Deleterious"; PolyPhen-2: "Probably Damaging"; Align-GVGD: "Class C0"). In summary, the available evidence is currently insufficient to determine the role of this variant in disease. Therefore, it has been classified as a Variant of Uncertain Significance.

Blake Wilde Laboratory, Roswell Park Comprehensive Cancer Center
No classification provided (evidence only). Condition: Hereditary leiomyomatosis and renal cell cancer. Review status: no classification provided. Collection method: in vitro. Allele origin: not applicable. Functional consequence: decreased enzyme activity. Not counted in ClinVar's aggregate classification.

Literature cited by the submitters: PubMed 21520333 (cited by Labcorp Genetics (formerly Invitae), Labcorp).

NM_000143.4(FH):c.1362G>A (p.Met454Ile)

Gene: FH (fumarate hydratase; minus strand). Cytogenetic location: 1q43.
Variant type: single nucleotide variant.
Coding change: c.1362G>A on transcript NM_000143.4 (MANE Select); coding-DNA position 1362, G replaced by A.
Protein change: p.Met454Ile; replaces methionine 454 with isoleucine.
Molecular consequence: missense variant.
Genome position (GRCh38, 1-based): chr1:241,500,465, C>T on the plus strand (G>A on the coding strand, the complement: FH is on the minus strand). VCF-style: chr1-241500465-C-T. GRCh37 (hg19) VCF-style: chr1-241663765-C-T.
Other names: short protein forms M454I.
Identifiers: ClinVar variation 645464 (VCV000645464.3), dbSNP rs766177929, ClinGen allele CA1478471.